The following is an entry in ClinVar:

ClinVar aggregate classification (germline): Uncertain significance (1 of 4 stars; one submission).

Conditions:
Inborn genetic diseases. Identifiers: MedGen C0950123, MeSH D030342.

gnomAD v4.1: 1 of 1,602,508 alleles (0.000062%); highest among the groups gnomAD compares: Non-Finnish European, 0.000085%; no homozygotes.

Submission:

Ambry Genetics
Classification: Uncertain significance for Inborn genetic diseases. Last evaluated: 2025-07-28. Review status: criteria provided, single submitter. Criteria: Ambry Variant Classification Scheme 2023. Collection method: clinical testing. Allele origin: germline.
Comment: The p.L1294V variant (also known as c.3880C>G), located in coding exon 27 of the ANKRD26 gene, results from a C to G substitution at nucleotide position 3880. The leucine at codon 1294 is replaced by valine, an amino acid with highly similar properties. This amino acid position is conserved. In addition, this alteration is predicted to be tolerated by in silico analysis. Based on the available evidence, the clinical significance of this variant remains unclear.

NM_014915.3(ANKRD26):c.3880C>G (p.Leu1294Val)

Gene: ANKRD26 (ankyrin repeat domain containing 26; minus strand). Cytogenetic location: 10p12.1.
Variant type: single nucleotide variant.
Coding change: c.3880C>G on transcript NM_014915.3 (MANE Select); coding-DNA position 3880, C replaced by G.
Protein change: p.Leu1294Val; replaces leucine 1294 with valine.
Molecular consequence: missense variant.
Genome position (GRCh38, 1-based): chr10:27,028,944, G>C on the plus strand (C>G on the coding strand, the complement: ANKRD26 is on the minus strand). VCF-style: chr10-27028944-G-C. GRCh37 (hg19) VCF-style: chr10-27317873-G-C.
Other names: c.3877C>G, p.Leu1293Val (NM_001256053.2); short protein forms L1293V, L1294V.
Identifiers: ClinVar variation 4103805 (VCV004103805.1).